The following is an entry in ClinVar:

NM_002206.3(ITGA7):c.1567G>A (p.Ala523Thr)

Gene: ITGA7 (integrin subunit alpha 7; minus strand). Cytogenetic location: 12q13.2.
Variant type: single nucleotide variant.
Coding change: c.1567G>A on transcript NM_002206.3 (MANE Select); coding-DNA position 1567, G replaced by A.
Protein change: p.Ala523Thr; replaces alanine 523 with threonine.
Molecular consequence: missense variant.
Genome position (GRCh38, 1-based): chr12:55,697,216, C>T on the plus strand (G>A on the coding strand, the complement: ITGA7 is on the minus strand). VCF-style: chr12-55697216-C-T. GRCh37 (hg19) VCF-style: chr12-56091000-C-T.
Other names: c.1579G>A, p.Ala527Thr (NM_001144996.2); c.1288G>A, p.Ala430Thr (NM_001144997.2); c.1240G>A, p.Ala414Thr (NM_001367993.1); c.223G>A, p.Ala75Thr (NM_001367994.1); c.1567G>A, p.Asp523Asn (NM_001374465.1); c.1699G>A, p.Ala567Thr (NM_001410977.1); c.1579G>A, p.Asp527Asn (NM_001414029.1); c.1492G>A, p.Ala498Thr (NM_001414030.1); and 5 more; short protein forms A523T, A527T, A75T, D523N, A414T, A430T, A567T, A483T.
Identifiers: ClinVar variation 852216 (VCV000852216.10), dbSNP rs762987922, ClinGen allele CA6615918.
Genomic context (GRCh38, chr12:55,697,216, plus strand): 5'-AGTGACCCCCCTCCCTGGGAAACCCAAAAGGGCGAGCCACAGAGGGGGGACCGCACTCAC[C>T]CACAGTAGGGCTATAGCTGCTGGGGACTGCAATGTAGCTGAAACAGACCCTTAGGTCCAC-3'
Protein context (NP_002197.2, residues 513-533): AVPSSYSPTV[Ala523Thr]LDYVLDADTD

ClinVar aggregate classification (germline): Uncertain significance (1 of 4 stars; one submission).

Conditions:
Congenital muscular dystrophy due to integrin alpha-7 deficiency. Also called: MYOPATHY, CONGENITAL, DUE TO INTEGRIN ALPHA-7 DEFICIENCY; Congenital muscular dystrophy with integrin alpha-7 deficiency; Muscular dystrophy, congenital, due to ITGA7 deficiency. Identifiers: Orphanet 34520, MedGen C2750786, MONDO:0013177, OMIM 613204.

Allele frequency attached by ClinVar (database versions not stated): gnomAD exomes below 0.00001; TOPMed 0.00001; ExAC 0.00002.
gnomAD v4.1: 1 of 1,596,642 alleles (0.000063%); highest among the groups gnomAD compares: Admixed American, 0.0018%; no homozygotes.

Submission:

Labcorp Genetics (formerly Invitae), Labcorp
Classification: Uncertain significance for Congenital muscular dystrophy due to integrin alpha-7 deficiency. Last evaluated: 2019-12-30. Review status: criteria provided, single submitter. Criteria: Invitae Variant Classification Sherloc (09022015). Collection method: clinical testing. Allele origin: germline.
Comment: In summary, the available evidence is currently insufficient to determine the role of this variant in disease. Therefore, it has been classified as a Variant of Uncertain Significance. Nucleotide substitutions within the consensus splice site are a relatively common cause of aberrant splicing (PMID: 17576681, 9536098). Algorithms developed to predict the effect of sequence changes on RNA splicing suggest that this variant may disrupt the consensus splice site, but this prediction has not been confirmed by published transcriptional studies. Algorithms developed to predict the effect of missense changes on protein structure and function (SIFT, PolyPhen-2, Align-GVGD) all suggest that this variant is likely to be tolerated, but these predictions have not been confirmed by published functional studies and their clinical significance is uncertain. This variant has not been reported in the literature in individuals with ITGA7-related conditions. This variant is present in population databases (rs762987922, ExAC 0.04%). This sequence change replaces alanine with threonine at codon 523 of the ITGA7 protein (p.Ala523Thr). The alanine residue is moderately conserved and there is a small physicochemical difference between alanine and threonine. This variant also falls at the last nucleotide of exon 11 of the ITGA7 coding sequence, which is part of the consensus splice site for this exon.

Literature cited by the submitters: PubMed 17576681; PubMed 9536098.